The following is an entry in ClinVar:

ClinVar aggregate classification (germline): Uncertain significance (1 of 4 stars; one submission).

Conditions:
Hereditary cancer-predisposing syndrome. Also called: Hereditary neoplastic syndrome; Hereditary Cancer Syndrome; Neoplastic Syndromes, Hereditary; Tumor predisposition. Identifiers: Orphanet 140162, MedGen C0027672, MeSH D009386, MONDO:0015356.

Submission:

Ambry Genetics
Classification: Uncertain significance for Hereditary cancer-predisposing syndrome. Last evaluated: 2023-04-01. Review status: criteria provided, single submitter. Criteria: Ambry Variant Classification Scheme 2023. Collection method: clinical testing. Allele origin: germline.
Comment: The p.T1311I variant (also known as c.3932C>T), located in coding exon 19 of the MET gene, results from a C to T substitution at nucleotide position 3932. The threonine at codon 1311 is replaced by isoleucine, an amino acid with similar properties. This amino acid position is conserved. In addition, the in silico prediction for this alteration is inconclusive. Since supporting evidence is limited at this time, the clinical significance of this alteration remains unclear.

NM_000245.4(MET):c.3878C>T (p.Thr1293Ile)

Gene: MET (MET proto-oncogene, receptor tyrosine kinase; plus strand). Cytogenetic location: 7q31.2.
Variant type: single nucleotide variant.
Coding change: c.3878C>T on transcript NM_000245.4 (MANE Select); coding-DNA position 3878, C replaced by T.
Protein change: p.Thr1293Ile; replaces threonine 1293 with isoleucine.
Molecular consequence: missense variant.
Genome position (GRCh38, 1-based): chr7:116,795,734, C>T. VCF-style: chr7-116795734-C-T. GRCh37 (hg19) VCF-style: chr7-116435788-C-T.
Other names: c.3932C>T, p.Thr1311Ile (NM_001127500.3); c.2588C>T, p.Thr863Ile (NM_001324402.2); short protein forms T863I, T1293I, T1311I.
Identifiers: ClinVar variation 2567677 (VCV002567677.2), dbSNP rs779121848, ClinGen allele CA369117896.